The following is an entry in ClinVar:

ClinVar aggregate classification (germline): Pathogenic (1 of 4 stars; one submission).

Submission:

Labcorp Genetics (formerly Invitae), Labcorp
Classification: Pathogenic. Last evaluated: 2023-01-26. Review status: criteria provided, single submitter. Criteria: Invitae Variant Classification Sherloc (09022015). Collection method: clinical testing. Allele origin: germline.
Comment: This sequence change creates a premature translational stop signal (p.Cys1086*) in the NEXMIF gene. It is expected to result in an absent or disrupted protein product. Loss-of-function variants in NEXMIF are known to be pathogenic (PMID: 23615299). This variant is not present in population databases (gnomAD no frequency). This variant has not been reported in the literature in individuals affected with NEXMIF-related conditions. For these reasons, this variant has been classified as Pathogenic.

Literature cited by the submitters: PubMed 23615299.

NM_001008537.3(NEXMIF):c.3258T>A (p.Cys1086Ter)

Gene: NEXMIF (neurite extension and migration factor; minus strand). Cytogenetic location: Xq13.3.
Variant type: single nucleotide variant.
Coding change: c.3258T>A on transcript NM_001008537.3 (MANE Select); coding-DNA position 3258, T replaced by A.
Protein change: p.Cys1086Ter; replaces cysteine 1086 with a stop codon.
Molecular consequence: nonsense.
Genome position (GRCh38, 1-based): chrX:74,741,299, A>T on the plus strand (T>A on the coding strand, the complement: NEXMIF is on the minus strand). VCF-style: chrX-74741299-A-T. GRCh37 (hg19) VCF-style: chrX-73961134-A-T.
Other names: short protein forms C1086*.
Identifiers: ClinVar variation 2832253 (VCV002832253.3), dbSNP rs2519912593, ClinGen allele CA413666360.
Genomic context (GRCh38, chrX:74,741,299, plus strand): 5'-CAATGGTCCTGGGACACCCTCTTGGAACCCCTTTAGTGTTCCTAGTGTCTTCATACTCTC[A>T]CATCTGGTAATTTGAGGGGAAAGACTAGGGGTGTCCGGTGGGGACATCTCTGAAAGGGAA-3'